The following is an entry in ClinVar:

NM_000537.4(REN):c.961-5C>A

Gene: REN (renin; minus strand). Cytogenetic location: 1q32.1.
Variant type: single nucleotide variant.
Coding change: c.961-5C>A on transcript NM_000537.4 (MANE Select); 5 bases into the intron before coding-DNA position 961, C replaced by A.
Molecular consequence: intron variant.
Genome position (GRCh38, 1-based): chr1:204,155,923, G>T on the plus strand (C>A on the coding strand, the complement: REN is on the minus strand). VCF-style: chr1-204155923-G-T. GRCh37 (hg19) VCF-style: chr1-204125051-G-T.
Identifiers: ClinVar variation 753683 (VCV000753683.20), dbSNP rs186717113, ClinGen allele CA1344700.

ClinVar aggregate classification (germline): Conflicting classifications of pathogenicity. Review status: criteria provided, conflicting classifications (1 of 4 stars). 5 submissions from 4 submitters: Uncertain significance (2); Benign (1); Likely benign (2). Last evaluated 2025-12-15.

Conditions:
Renal tubular dysgenesis. Also called: Renotubular dysgenesis. Identifiers: Orphanet 3033, MedGen C0266313, MONDO:0017609, HP:0008660.
Familial juvenile hyperuricemic nephropathy type 2 (ADTKD4). Also called: Autosomal Dominant Tubulointerstitial Kidney Disease – REN; EARLY-ONSET HYPERURICEMIA, ANEMIA, AND PROGRESSIVE KIDNEY FAILURE. Identifiers: Orphanet 217330, MedGen C2751310, MONDO:0013128, OMIM 613092.
REN-related disorder. Also called: REN-related condition.

Allele frequency attached by ClinVar (database versions not stated): 1000 Genomes Project 30x 0.00016; 1000 Genomes Project 0.00020; gnomAD 0.00022; gnomAD exomes 0.00026 and 0.00062; ExAC 0.00030; TOPMed 0.00033; ESP Exome Variant Server 0.00069.
gnomAD v4.1: 974 of 1,610,832 alleles (0.06%); highest among the groups gnomAD compares: Non-Finnish European, 0.077%; 1 homozygote.

Submissions (5):

Labcorp Genetics (formerly Invitae), Labcorp
Classification: Likely benign. Last evaluated: 2025-12-15. Review status: criteria provided, single submitter. Criteria: Invitae Variant Classification Sherloc (09022015). Collection method: clinical testing. Allele origin: germline.

CeGaT Center for Human Genetics Tuebingen
Classification: Likely benign. Last evaluated: 2025-11-01. Review status: criteria provided, single submitter. Criteria: CeGaT Center For Human Genetics Tuebingen Variant Classification Criteria Version 2. Collection method: clinical testing. Allele origin: germline. Affected: yes. Observed: 1 variant allele.
Comment: REN: BP4

PreventionGenetics, part of Exact Sciences
Classification: Uncertain significance for REN-related condition. Last evaluated: 2023-02-07. Review status: criteria provided, single submitter. Criteria: ACMG Guidelines, 2015. Collection method: clinical testing. Allele origin: germline.
Comment: The REN c.961-5C>A variant is predicted to interfere with splicing. To our knowledge, this variant has not been reported in the literature. This variant is reported in 0.054% (72/281478) of alleles in individuals of European (Non-Finnish) descent in gnomAD, indicating this variant is likely too common for autosomal dominant REN-related disorders. At this time, the clinical significance of this variant is uncertain due to the absence of conclusive functional and genetic evidence.

Illumina Laboratory Services, Illumina
Classification: Benign for Familial juvenile hyperuricemic nephropathy type 2. Last evaluated: 2018-01-12. Review status: criteria provided, single submitter. Criteria: ICSL Variant Classification Criteria 13 December 2019. Collection method: clinical testing. Allele origin: germline.
Comment: This variant was observed in the ICSL laboratory as part of a predisposition screen in an ostensibly healthy population. It had not been previously curated by ICSL or reported in the Human Gene Mutation Database (HGMD: prior to June 1st, 2018), and was therefore a candidate for classification through an automated scoring system. Utilizing variant allele frequency, disease prevalence and penetrance estimates, and inheritance mode, an automated score was calculated to assess if this variant is too frequent to cause the disease. Based on the score and internal cut-off values, a variant classified as benign is not then subjected to further curation. The score for this variant resulted in a classification of benign for this disease.

Illumina Laboratory Services, Illumina
Classification: Uncertain significance for Renal tubular dysgenesis of genetic origin. Last evaluated: 2018-01-12. Review status: criteria provided, single submitter. Criteria: ICSL Variant Classification Criteria 13 December 2019. Collection method: clinical testing. Allele origin: germline.